The following is an entry in ClinVar:

NM_001365951.3(KIF1B):c.3073G>A (p.Gly1025Arg)

Gene: KIF1B (kinesin family member 1B; plus strand). Cytogenetic location: 1p36.22.
Variant type: single nucleotide variant.
Coding change: c.3073G>A on transcript NM_001365951.3 (MANE Select); coding-DNA position 3073, G replaced by A.
Protein change: p.Gly1025Arg; replaces glycine 1025 with arginine.
Molecular consequence: missense variant.
Genome position (GRCh38, 1-based): chr1:10,336,686, G>A. VCF-style: chr1-10336686-G-A. GRCh37 (hg19) VCF-style: chr1-10396744-G-A.
Other names: c.3073G>A, p.Gly1025Arg (NM_001365952.1); c.2935G>A, p.Gly979Arg (NM_015074.3); short protein forms G1025R, G979R.
Identifiers: ClinVar variation 4092314 (VCV004092314.1).

ClinVar aggregate classification (germline): Uncertain significance (1 of 4 stars; one submission).

Submission:

Ambry Genetics
Classification: Uncertain significance. Last evaluated: 2025-06-15. Review status: criteria provided, single submitter. Criteria: Ambry Variant Classification Scheme 2023. Collection method: clinical testing. Allele origin: germline.
Comment: The p.G979R variant (also known as c.2935G>A), located in coding exon 26 of the KIF1B gene, results from a G to A substitution at nucleotide position 2935. The glycine at codon 979 is replaced by arginine, an amino acid with dissimilar properties. This amino acid position is conserved. In addition, this alteration is predicted to be deleterious by in silico analysis. Based on the available evidence, the clinical significance of this variant remains unclear.